The following is an entry in ClinVar:

ClinVar aggregate classification (germline): Uncertain significance (1 of 4 stars; one submission).

Conditions:
Neuropathy, hereditary sensory, type 1F. Also called: HSN IF; Hereditary sensory neuropathy type IF. Identifiers: Orphanet 36386, MedGen C3810194, MONDO:0014286, OMIM 615632.

Allele frequency attached by ClinVar (database versions not stated): TOPMed 0.00001.
gnomAD v4.1: 1 of 1,586,288 alleles (0.000063%); highest among the groups gnomAD compares: Non-Finnish European, 0.000086%; no homozygotes.

Submission:

Labcorp Genetics (formerly Invitae), Labcorp
Classification: Uncertain significance for Neuropathy, hereditary sensory, type 1F. Last evaluated: 2020-11-27. Review status: criteria provided, single submitter. Criteria: Invitae Variant Classification Sherloc (09022015). Collection method: clinical testing. Allele origin: germline.
Comment: This sequence change replaces serine with phenylalanine at codon 3 of the ATL3 protein (p.Ser3Phe). The serine residue is weakly conserved and there is a large physicochemical difference between serine and phenylalanine. This variant is not present in population databases (ExAC no frequency). This variant has not been reported in the literature in individuals with ATL3-related conditions. Algorithms developed to predict the effect of missense changes on protein structure and function are either unavailable or do not agree on the potential impact of this missense change (SIFT: "Tolerated"; PolyPhen-2: "Probably Damaging"; Align-GVGD: "Class C0"). In summary, the available evidence is currently insufficient to determine the role of this variant in disease. Therefore, it has been classified as a Variant of Uncertain Significance.

NM_015459.5(ATL3):c.8C>T (p.Ser3Phe)

Gene: ATL3 (atlastin GTPase 3; minus strand). Cytogenetic location: 11q13.1.
Variant type: single nucleotide variant.
Coding change: c.8C>T on transcript NM_015459.5 (MANE Select); coding-DNA position 8, C replaced by T.
Protein change: p.Ser3Phe; replaces serine 3 with phenylalanine.
Molecular consequence: missense variant. On other transcripts: intron variant (1).
Genome position (GRCh38, 1-based): chr11:63,671,328, G>A on the plus strand (C>T on the coding strand, the complement: ATL3 is on the minus strand). VCF-style: chr11-63671328-G-A. GRCh37 (hg19) VCF-style: chr11-63438800-G-A.
Other names: c.-9+308C>T (NM_001290048.2); short protein forms S3F.
Identifiers: ClinVar variation 1398540 (VCV001398540.8), dbSNP rs1038855121, ClinGen allele CA223753000.
Genomic context (GRCh38, chr11:63,671,328, plus strand): 5'-CCAGGGAAAATCGGCGCCTCACCTGCTCCTCTTGAGGCAGCTGCTGCCACTCGCTGAGGG[G>A]ACAACATGGAGCCTCCGCCTTCAAAGCAGAAGCAGCAGGGGTGCAGAGGAGAGGGACGGG-3'
Protein context (NP_056274.3, residues 1-13): ML[Ser3Phe]PQRVAAAASR